The following is an entry in ClinVar:

ClinVar aggregate classification (germline): Uncertain significance (1 of 4 stars; one submission).

Conditions:
Brugada syndrome. Also called: Sudden unexplained nocturnal death syndrome; Sudden Unexplained Death Syndrome; Sudden Unexplained Nocturnal Death Syndrome (SUNDS); Sudden unexpected nocturnal death syndrome. Identifiers: Orphanet 130, MedGen C1142166, MONDO:0015263.

Submission:

Labcorp Genetics (formerly Invitae), Labcorp
Classification: Uncertain significance for Brugada syndrome. Last evaluated: 2021-06-15. Review status: criteria provided, single submitter. Criteria: Invitae Variant Classification Sherloc (09022015). Collection method: clinical testing. Allele origin: germline.
Comment: This sequence change replaces proline with histidine at codon 1461 of the SCN10A protein (p.Pro1461His). The proline residue is highly conserved and there is a moderate physicochemical difference between proline and histidine. In summary, the available evidence is currently insufficient to determine the role of this variant in disease. Therefore, it has been classified as a Variant of Uncertain Significance. Advanced modeling of protein sequence and biophysical properties (such as structural, functional, and spatial information, amino acid conservation, physicochemical variation, residue mobility, and thermodynamic stability) performed at Invitae indicates that this missense variant is not expected to disrupt SCN10A protein function. This variant has not been reported in the literature in individuals with SCN10A-related conditions. This variant is not present in population databases (ExAC no frequency).

NM_006514.4(SCN10A):c.4382C>A (p.Pro1461His)

Gene: SCN10A (sodium voltage-gated channel alpha subunit 10; minus strand). Cytogenetic location: 3p22.2.
Variant type: single nucleotide variant.
Coding change: c.4382C>A on transcript NM_006514.4 (MANE Select); coding-DNA position 4382, C replaced by A.
Protein change: p.Pro1461His; replaces proline 1461 with histidine.
Molecular consequence: missense variant.
Genome position (GRCh38, 1-based): chr3:38,707,283, G>T on the plus strand (C>A on the coding strand, the complement: SCN10A is on the minus strand). VCF-style: chr3-38707283-G-T. GRCh37 (hg19) VCF-style: chr3-38748774-G-T.
Other names: c.4379C>A, p.Pro1460His (NM_001293306.2); c.4088C>A, p.Pro1363His (NM_001293307.2); short protein forms P1460H, P1461H, P1363H.
Identifiers: ClinVar variation 1468633 (VCV001468633.8), dbSNP rs2125986146, ClinGen allele CA352148351.